The following is an entry in ClinVar:

NM_004174.4(SLC9A3):c.23G>A (p.Gly8Asp)

Gene: SLC9A3 (solute carrier family 9 member A3). Cytogenetic location: 5p15.33.
Variant type: single nucleotide variant.
Coding change: c.23G>A on transcript NM_004174.4 (MANE Select); coding-DNA position 23, G replaced by A.
Protein change: p.Gly8Asp; replaces glycine 8 with aspartic acid.
Molecular consequence: missense variant.
Genome position (GRCh38, 1-based): chr5:524,300, C>T on the plus strand (G>A on the coding strand, the complement: SLC9A3 is on the minus strand). VCF-style: chr5-524300-C-T. GRCh37 (hg19) VCF-style: chr5-524415-C-T.
Other names: c.23G>A, p.Gly8Asp (NM_001284351.3); c.23G>A (NM_004174.2); short protein forms G8D.
Identifiers: ClinVar variation 1364465 (VCV001364465.4), dbSNP rs978955926, ClinGen allele CA112819347.

ClinVar aggregate classification (germline): Uncertain significance. Review status: criteria provided, multiple submitters, no conflicts (2 of 4 stars). 2 submissions from 2 submitters: Uncertain significance (2). Last evaluated 2023-12-08.

Conditions:
Inborn genetic diseases. Identifiers: MedGen C0950123, MeSH D030342.

Allele frequency attached by ClinVar (database versions not stated): gnomAD exomes 0.00005 and 0.00011; gnomAD 0.00011 and 0.00012; TOPMed 0.00013.
gnomAD v4.1: 139 of 1,285,290 alleles (0.011%); highest among the groups gnomAD compares: African/African-American, 0.014%; no homozygotes.

Submissions (2):

Ambry Genetics
Classification: Uncertain significance for Inborn genetic diseases. Last evaluated: 2023-12-08. Review status: criteria provided, single submitter. Criteria: Ambry Variant Classification Scheme 2023. Collection method: clinical testing. Allele origin: germline.

Labcorp Genetics (formerly Invitae), Labcorp
Classification: Uncertain significance. Last evaluated: 2022-10-25. Review status: criteria provided, single submitter. Criteria: Invitae Variant Classification Sherloc (09022015). Collection method: clinical testing. Allele origin: germline.
Comment: This sequence change replaces glycine, which is neutral and non-polar, with aspartic acid, which is acidic and polar, at codon 8 of the SLC9A3 protein (p.Gly8Asp). The frequency data for this variant in the population databases is considered unreliable, as metrics indicate poor data quality at this position in the gnomAD database. This variant has not been reported in the literature in individuals affected with SLC9A3-related conditions. ClinVar contains an entry for this variant (Variation ID: 1364465). Algorithms developed to predict the effect of missense changes on protein structure and function output the following: SIFT: "Not Available"; PolyPhen-2: "Not Available"; Align-GVGD: "Not Available". The aspartic acid amino acid residue is found in multiple mammalian species, which suggests that this missense change does not adversely affect protein function. In summary, the available evidence is currently insufficient to determine the role of this variant in disease. Therefore, it has been classified as a Variant of Uncertain Significance.